The following is an entry in ClinVar:

NM_005912.3(MC4R):c.181G>A (p.Glu61Lys)

Gene: MC4R (melanocortin 4 receptor; minus strand). Cytogenetic location: 18q21.32.
Variant type: single nucleotide variant.
Coding change: c.181G>A on transcript NM_005912.3 (MANE Select); coding-DNA position 181, G replaced by A.
Protein change: p.Glu61Lys; replaces glutamic acid 61 with lysine.
Molecular consequence: missense variant.
Genome position (GRCh38, 1-based): chr18:60,372,169, C>T on the plus strand (G>A on the coding strand, the complement: MC4R is on the minus strand). VCF-style: chr18-60372169-C-T. GRCh37 (hg19) VCF-style: chr18-58039402-C-T.
Other names: short protein forms E61K.
Identifiers: ClinVar variation 435831 (VCV000435831.24), dbSNP rs370479598, ClinGen allele CA8980967.

ClinVar aggregate classification (germline): Pathogenic/Likely pathogenic. Review status: criteria provided, multiple submitters, no conflicts (2 of 4 stars). 10 submissions from 10 submitters: Pathogenic (3); Likely pathogenic (6). 1 of the submissions does not count toward it. Last evaluated 2026-09-14.

Conditions:
MC4R-related disorder. Also called: MC4R-related condition.
Obesity, autosomal dominant. Identifiers: MedGen CN233047.
BODY MASS INDEX QUANTITATIVE TRAIT LOCUS 20 (BMIQ20). Also called: MELANOCORTIN 4 RECEPTOR DEFICIENCY; MC4R DEFICIENCY. Identifiers: MedGen C4759928, OMIM 618406.
Early onset severe obesity. Identifiers: MedGen C4013980.
Obesity. Also called: Obesity disorder. Identifiers: Orphanet 71529, MedGen C0028754, MeSH D009765, MONDO:0011122, HP:0001513.
Obesity due to melanocortin 4 receptor deficiency. Identifiers: Orphanet 71529, MedGen C4273958, MONDO:0019115.

Allele frequency attached by ClinVar (database versions not stated): gnomAD 0.00001; ExAC 0.00002; gnomAD exomes 0.00002 and 0.00004; TOPMed 0.00002; ESP Exome Variant Server 0.00008.
gnomAD v4.1: 65 of 1,614,090 alleles (0.004%); highest among the groups gnomAD compares: Non-Finnish European, 0.0053%; no homozygotes.

Submissions (10):

PreventionGenetics, part of Exact Sciences
Classification: Pathogenic for MC4R-related condition. Last evaluated: 2026-09-14. Review status: criteria provided, single submitter. Criteria: ACMG Guidelines, 2015. Collection method: clinical testing. Allele origin: germline.
Comment: The MC4R c.181G>A variant is predicted to result in the amino acid substitution p.Glu61Lys. This variant has been reported in the heterozygous state in multiple individuals with severe early-onset obesity (Ahituv et al. 2007. PubMed ID: 17357083; Tan et al. 2008. PubMed ID: 18801902; Calton et al. 2008. PubMed ID: 19091795). At PreventionGenetics, we have observed this variant in the heterozygous state in many individuals with obesity (Internal Data). Segregation with obesity was demonstrated in at least two families (Ahituv et al. 2007. PubMed ID: 17357083; Gokul P. et al. 2025. PubMed ID: 38402868). Functional studies demonstrate impaired cell surface trafficking, reduced ligand binding, decreased cAMP activity, and partial agonist activity (Tan et al. 2008. PubMed ID: 18801902; Xiang et al. 2010. PubMed ID: 20462274; René et al. 2010. PubMed ID: 20826565). This variant is reported in 0.0044% of alleles in individuals of European (non-Finnish) descent in gnomAD. This variant is interpreted as pathogenic.

Athena Diagnostics
Classification: Pathogenic. Last evaluated: 2025-07-16. Review status: criteria provided, single submitter. Criteria: Athena Diagnostics Criteria. Collection method: clinical testing. Allele origin: unknown.
Comment: The frequency of this variant in the general population is consistent with pathogenicity. This variant has been identified in multiple unrelated individuals with clinical features associated with this gene. This variant appears to segregate with disease in at least one family. This variant is statistically more frequent in affected individuals than in the general population and/or healthy controls. Assessment of experimental evidence suggests this variant results in abnormal protein function. (PMID: 17357083, 18801902, 20462274, 20826565)

GeneDx
Classification: Likely pathogenic. Last evaluated: 2025-06-11. Review status: criteria provided, single submitter. Criteria: GeneDx Variant Classification Process June 2021. Collection method: clinical testing. Allele origin: germline. Affected: yes.
Comment: Published functional studies demonstrate a damaging effect (PMID: 18801902); In silico analysis supports that this missense variant has a deleterious effect on protein structure/function; This variant is associated with the following publications: (PMID: 20462274, 20826565, 19091795, 18801902, 34662886, 24780838, 29031731, 37601970, 38402868, 27701398, 28663568, 17357083)

Cambridge Genomics Laboratory, East Genomic Laboratory Hub, NHS Genomic Medicine Service
Classification: Likely pathogenic for Severe early-onset obesity. Last evaluated: 2025-03-06. Review status: criteria provided, single submitter. Criteria: ACGS Best Practice Guidelines for Variant Classification in Rare Disease 2020. Collection method: clinical testing. Allele origin: germline. Affected: yes.
Comment: PS3_Moderate,PS4_Moderate,PM2,PP3

Blueprint Genetics
Classification: Pathogenic for MC4R-related disorders. Last evaluated: 2024-03-02. Review status: criteria provided, single submitter. Criteria: ACMG Guidelines, 2015. Collection method: clinical testing. Allele origin: germline. Affected: yes. Observed: 3 variant alleles.

Revvity Omics, Revvity
Classification: Likely pathogenic for BODY MASS INDEX QUANTITATIVE TRAIT LOCUS 20. Last evaluated: 2023-11-30. Review status: criteria provided, single submitter. Criteria: ACMG Guidelines, 2015. Collection method: clinical testing. Allele origin: germline.

Labcorp Genetics (formerly Invitae), Labcorp
Classification: Likely pathogenic. Last evaluated: 2023-05-15. Review status: criteria provided, single submitter. Criteria: Invitae Variant Classification Sherloc (09022015). Collection method: clinical testing. Allele origin: germline.
Comment: Advanced modeling of protein sequence and biophysical properties (such as structural, functional, and spatial information, amino acid conservation, physicochemical variation, residue mobility, and thermodynamic stability) has been performed at Invitae for this missense variant, however the output from this modeling did not meet the statistical confidence thresholds required to predict the impact of this variant on MC4R protein function. ClinVar contains an entry for this variant (Variation ID: 435831). This missense change has been observed in individual(s) with autosomal dominant obesity (PMID: 17357083, 18801902, 33761344). It has also been observed to segregate with disease in related individuals. This variant is present in population databases (rs370479598, gnomAD 0.004%). This sequence change replaces glutamic acid, which is acidic and polar, with lysine, which is basic and polar, at codon 61 of the MC4R protein (p.Glu61Lys). In summary, the currently available evidence indicates that the variant is pathogenic, but additional data are needed to prove that conclusively. Therefore, this variant has been classified as Likely Pathogenic. Experimental studies have shown that this missense change affects MC4R function (PMID: 17357083, 18801902).

Laboratory for Molecular Medicine, Mass General Brigham Personalized Medicine
Classification: Likely pathogenic for Obesity due to melanocortin 4 receptor deficiency. Last evaluated: 2018-09-28. Review status: criteria provided, single submitter. Criteria: ACMG Guidelines, 2015. Collection method: clinical testing. Allele origin: germline. Inheritance: Autosomal dominant inheritance.
Comment: The p.Glu61Lys variant in MC4R has been reported in at least 10 individuals with early-onset obesity and segregated with disease in 2 relatives (Ahituv 2007, Calton 2009, Tan 2009, Alsters 2016). This variant has been identified in 5/111538 European chromosomes by the Genome Aggregation Database (gnomAD; dbSNP ID rs370479598). In vitro functional studies provide some evidence that the p.Glu61Lys variant may impact protein function (Ahituv 2007, Calton 2009, Tan 2009); however, these types of assays may not accurately represent biological function. Computational prediction tools and conservation analysis suggest that the p.Glu61Lys variant may impact the protein, though this information is not predictive enough to determine pathogenicity. In summary, although additional studies are required to fully establish its clinical significance, the p.Glu61Lys variant is likely pathogenic. ACMG/AMP criteria applied: PM2, PS4_Moderate, PP3, PS3_Supporting.

Genetic Services Laboratory, University of Chicago
Classification: Likely pathogenic for Obesity, autosomal dominant. Last evaluated: 2015-10-26. Review status: criteria provided, single submitter. Criteria: ACMG Guidelines, 2015. Collection method: clinical testing. Allele origin: germline. Affected: yes.

Clinical Molecular Genetics Laboratory, Johns Hopkins All Children's Hospital
Classification: Pathogenic for Obesity. Last evaluated: 2013-12-19. Review status: no assertion criteria provided. Collection method: clinical testing. Allele origin: germline. Affected: yes. Not counted in ClinVar's aggregate classification.

Literature cited by the submitters: PubMed 28663568 (cited by Athena Diagnostics); PubMed 38402868 (cited by Athena Diagnostics); PubMed 39552559 (cited by Athena Diagnostics); PubMed 27701398 (cited by Athena Diagnostics); PubMed 31002795 (cited by Athena Diagnostics); PubMed 31417496 (cited by Athena Diagnostics); PubMed 17357083 (cited by 3 submitters); PubMed 19091795 (cited by Athena Diagnostics and Laboratory for Molecular Medicine, Mass General Brigham Personalized Medicine); PubMed 20826565 (cited by Athena Diagnostics); PubMed 18801902 (cited by 3 submitters); PubMed 20462274 (cited by Athena Diagnostics); PubMed 24780838 (cited by Athena Diagnostics); PubMed 33761344 (cited by Labcorp Genetics (formerly Invitae), Labcorp).